The following is an entry in ClinVar:

ClinVar aggregate classification (germline): Uncertain significance. Review status: criteria provided, multiple submitters, no conflicts (2 of 4 stars). 2 submissions from 2 submitters: Uncertain significance (2). Last evaluated 2023-03-26.

Conditions:
Hereditary cancer-predisposing syndrome. Also called: Neoplastic Syndromes, Hereditary; Hereditary Cancer Syndrome; Hereditary neoplastic syndrome; Tumor predisposition. Identifiers: Orphanet 140162, MedGen C0027672, MeSH D009386, MONDO:0015356.
Cardiovascular phenotype. Identifiers: MedGen CN230736.
Neurofibromatosis, type 1 (NF1). Also called: Neurofibromatosis, type I; Peripheral type neurofibromatosis; VON RECKLINGHAUSEN DISEASE; NEUROFIBROMATOSIS, TYPE I, SOMATIC. Identifiers: Orphanet 636, MedGen C0027831, MONDO:0018975, OMIM 162200. Disease mechanism: loss of function.

Submissions (2):

Labcorp Genetics (formerly Invitae), Labcorp
Classification: Uncertain significance for Neurofibromatosis, type 1. Last evaluated: 2023-03-26. Review status: criteria provided, single submitter. Criteria: Invitae Variant Classification Sherloc (09022015). Collection method: clinical testing. Allele origin: germline.
Comment: In summary, the available evidence is currently insufficient to determine the role of this variant in disease. Therefore, it has been classified as a Variant of Uncertain Significance. Advanced modeling of protein sequence and biophysical properties (such as structural, functional, and spatial information, amino acid conservation, physicochemical variation, residue mobility, and thermodynamic stability) has been performed at Invitae for this missense variant, however the output from this modeling did not meet the statistical confidence thresholds required to predict the impact of this variant on NF1 protein function. ClinVar contains an entry for this variant (Variation ID: 825710). This sequence change replaces leucine, which is neutral and non-polar, with phenylalanine, which is neutral and non-polar, at codon 180 of the NF1 protein (p.Leu180Phe). This variant has not been reported in the literature in individuals affected with NF1-related conditions. This variant is not present in population databases (gnomAD no frequency).

Ambry Genetics
Classification: Uncertain significance for Cardiovascular phenotype; Hereditary cancer-predisposing syndrome. Last evaluated: 2018-12-06. Review status: criteria provided, single submitter. Criteria: Ambry Variant Classification Scheme 2023. Collection method: clinical testing. Allele origin: germline.
Comment: The p.L180F variant (also known as c.540A>C), located in coding exon 5 of the NF1 gene, results from an A to C substitution at nucleotide position 540. The leucine at codon 180 is replaced by phenylalanine, an amino acid with highly similar properties. This amino acid position is not well conserved in available vertebrate species. In addition, this alteration is predicted to be tolerated by in silico analysis. Since supporting evidence is limited at this time, the clinical significance of this alteration remains unclear.

NM_001042492.3(NF1):c.540A>C (p.Leu180Phe)

Gene: NF1 (neurofibromin 1; plus strand). Cytogenetic location: 17q11.2.
Variant type: single nucleotide variant.
Coding change: c.540A>C on transcript NM_001042492.3 (MANE Select); coding-DNA position 540, A replaced by C.
Protein change: p.Leu180Phe; replaces leucine 180 with phenylalanine.
Molecular consequence: missense variant.
Genome position (GRCh38, 1-based): chr17:31,169,951, A>C. VCF-style: chr17-31169951-A-C. GRCh37 (hg19) VCF-style: chr17-29496969-A-C.
Other names: c.540A>C, p.Leu180Phe (NM_000267.4, NM_001128147.3); short protein forms L180F.
Identifiers: ClinVar variation 825710 (VCV000825710.7), dbSNP rs1597643865, ClinGen allele CA398985157.